The following is an entry in ClinVar:

ClinVar aggregate classification (germline): Uncertain significance. Review status: criteria provided, multiple submitters, no conflicts (2 of 4 stars). 2 submissions from 2 submitters: Uncertain significance (2). Last evaluated 2025-09-11.

Conditions:
Inborn genetic diseases. Identifiers: MedGen C0950123, MeSH D030342.
Charcot-Marie-Tooth disease type 4. Also called: Charcot-Marie-Tooth disease, type IV; Charcot-Marie-Tooth, Type 4. Identifiers: Orphanet 64749, MedGen C4082197, MONDO:0018995.

Allele frequency attached by ClinVar (database versions not stated): gnomAD exomes 0.00001 and 0.00006; ExAC 0.00002; TOPMed 0.00010; gnomAD 0.00011 and 0.00012.

Submissions (2):

Ambry Genetics
Classification: Uncertain significance for Inborn genetic diseases. Last evaluated: 2025-09-11. Review status: criteria provided, single submitter. Criteria: Ambry Variant Classification Scheme 2023. Collection method: clinical testing. Allele origin: germline.

Labcorp Genetics (formerly Invitae), Labcorp
Classification: Uncertain significance for Charcot-Marie-Tooth disease type 4. Last evaluated: 2024-07-17. Review status: criteria provided, single submitter. Criteria: Invitae Variant Classification Sherloc (09022015). Collection method: clinical testing. Allele origin: germline.
Comment: This sequence change replaces valine, which is neutral and non-polar, with methionine, which is neutral and non-polar, at codon 94 of the NDRG1 protein (p.Val94Met). This variant is present in population databases (rs747475972, gnomAD 0.04%). This variant has not been reported in the literature in individuals affected with NDRG1-related conditions. ClinVar contains an entry for this variant (Variation ID: 1507652). Advanced modeling of protein sequence and biophysical properties (such as structural, functional, and spatial information, amino acid conservation, physicochemical variation, residue mobility, and thermodynamic stability) has been performed at Invitae for this missense variant, however the output from this modeling did not meet the statistical confidence thresholds required to predict the impact of this variant on NDRG1 protein function. In summary, the available evidence is currently insufficient to determine the role of this variant in disease. Therefore, it has been classified as a Variant of Uncertain Significance.

NM_006096.4(NDRG1):c.280G>A (p.Val94Met)

Gene: NDRG1 (N-myc downstream regulated 1; minus strand). Cytogenetic location: 8q24.22.
Variant type: single nucleotide variant.
Coding change: c.280G>A on transcript NM_006096.4 (MANE Select); coding-DNA position 280, G replaced by A.
Protein change: p.Val94Met; replaces valine 94 with methionine.
Molecular consequence: missense variant.
Genome position (GRCh38, 1-based): chr8:133,262,093, C>T on the plus strand (G>A on the coding strand, the complement: NDRG1 is on the minus strand). VCF-style: chr8-133262093-C-T. GRCh37 (hg19) VCF-style: chr8-134274336-C-T.
Other names: c.280G>A, p.Val94Met (NM_001135242.2, NM_001374844.1, NM_001374845.1 and 1 more transcripts); c.82G>A, p.Val28Met (NM_001258432.2, NM_001374847.1); c.37G>A, p.Val13Met (NM_001258433.2); c.280G>A (NM_006096.3); short protein forms V94M, V13M, V28M.
Identifiers: ClinVar variation 1507652 (VCV001507652.6), dbSNP rs747475972, ClinGen allele CA4886835.